The following is an entry in ClinVar:

NM_002637.4(PHKA1):c.2365A>G (p.Met789Val)

Gene: PHKA1 (phosphorylase kinase regulatory subunit alpha 1; minus strand). Cytogenetic location: Xq13.1.
Variant type: single nucleotide variant.
Coding change: c.2365A>G on transcript NM_002637.4 (MANE Select); coding-DNA position 2365, A replaced by G.
Protein change: p.Met789Val; replaces methionine 789 with valine.
Molecular consequence: missense variant.
Genome position (GRCh38, 1-based): chrX:72,618,714, T>C on the plus strand (A>G on the coding strand, the complement: PHKA1 is on the minus strand). VCF-style: chrX-72618714-T-C. GRCh37 (hg19) VCF-style: chrX-71838564-T-C.
Other names: c.2365A>G (NM_002637.3); c.2365A>G, p.Met789Val (NM_001122670.2); c.2188A>G, p.Met730Val (NM_001172436.2); short protein forms M789V, M730V.
Identifiers: ClinVar variation 2072390 (VCV002072390.7), dbSNP rs140721100, ClinGen allele CA10450715.

ClinVar aggregate classification (germline): Benign/Likely benign. Review status: criteria provided, multiple submitters, no conflicts (2 of 4 stars). 3 submissions from 3 submitters: Benign (1); Likely benign (1). 1 of the submissions does not count toward it. Last evaluated 2026-01-02.

Conditions:
Glycogen storage disease IXd (GSD9D). Also called: GSD IXd; Muscle Phosphorylase Kinase Deficiency. Identifiers: Orphanet 715, MedGen C1845151, MONDO:0010362, OMIM 300559.
PHKA1-related disorder. Also called: PHKA1-related condition.

Allele frequency attached by ClinVar (database versions not stated): 1000 Genomes Project 30x 0.00021; TOPMed 0.00021; 1000 Genomes Project 0.00026; ESP Exome Variant Server 0.00038; gnomAD 0.00059; gnomAD exomes 0.00059; ExAC 0.00077.
gnomAD v4.1: 690 of 1,186,478 alleles (0.058%); highest among the groups gnomAD compares: Non-Finnish European, 0.041%; no homozygotes.

Submissions (3):

Labcorp Genetics (formerly Invitae), Labcorp
Classification: Benign for Glycogen storage disease IXd. Last evaluated: 2026-01-02. Review status: criteria provided, single submitter. Criteria: Invitae Variant Classification Sherloc (09022015). Collection method: clinical testing. Allele origin: germline.

Blueprint Genetics
Classification: Likely benign. Last evaluated: 2024-06-21. Review status: criteria provided, single submitter. Criteria: ACMG Guidelines, 2015. Collection method: clinical testing. Allele origin: germline.

PreventionGenetics, part of Exact Sciences
Classification: Benign for PHKA1-related condition. Last evaluated: 2021-09-29. Review status: no assertion criteria provided. Collection method: clinical testing. Allele origin: germline. Not counted in ClinVar's aggregate classification.
Comment: This variant is classified as benign based on ACMG/AMP sequence variant interpretation guidelines (Richards et al. 2015 PMID: 25741868, with internal and published modifications).